The following is an entry in ClinVar:

ClinVar aggregate classification (germline): Pathogenic (3 of 4 stars; one submission).

Conditions:
Phenylketonuria (PKU). Also called: Phenylketonurias; FOLLING DISEASE; OLIGOPHRENIA PHENYLPYRUVICA; Phenylketonuria (PKU). Identifiers: Orphanet 716, MedGen C0031485, MONDO:0009861, OMIM 261600. Disease mechanism: loss of function.

Submission:

ClinGen PAH Variant Curation Expert Panel
Classification: Pathogenic for Phenylketonuria. Last evaluated: 2023-10-13. Review status: reviewed by expert panel. Criteria: ClinGen PAH ACMG Specifications v1. Collection method: curation. Allele origin: germline. Inheritance: Autosomal recessive inheritance.
Comment: The c.277_280del (p.Asn93SerfsTer5) variant in PAH results in a frameshift in exon 3, with NMD predicted. It is absent in gnomAD. In summary, this variant meets criteria to be classified as pathogenic for PAH. PAH-specific ACMG/AMP criteria applied: PVS1, PP4, PM2_supporting, PM3_supporting.

NM_000277.3(PAH):c.277_280del (p.Asn93fs)

Gene: PAH (phenylalanine hydroxylase; minus strand). Cytogenetic location: 12q23.2.
Variant type: Deletion.
Coding change: c.277_280del on transcript NM_000277.3 (MANE Select); coding-DNA positions 277 to 280, 4 bases deleted (AACA; older notation c.277_280delAACA).
Protein change: p.Asn93fs; shifts the reading frame from asparagine 93.
Molecular consequence: frameshift variant.
Genome position (GRCh38, 1-based): chr12:102,894,807-102,894,810, TGTT deleted on the plus strand (AACA on the coding strand, the reverse complement: PAH is on the minus strand); deleting any 4 consecutive bases within chr12:102,894,807-102,894,813 gives the same sequence; the c. name uses the placement nearest the transcript's 3' end. VCF-style (leftmost placement, unchanged base first): chr12-102894806-ATGTT-A. GRCh37 (hg19) VCF-style: chr12-103288584-ATGTT-A.
Other names: NM_001354304.2:c.277_280del; c.277_280del, p.Asn93fs (NM_001354304.2); short protein forms N93fs.
Identifiers: ClinVar variation 2682160 (VCV002682160.1), dbSNP rs2499521354, ClinGen allele CA16020760.
Genomic context (GRCh38, chr12:102,894,806, plus strand): 5'-TTCTTATCTCGTGAAAGCTCATGGACAGTGGCACCAATGTCATGCCTCAAGATCTTGATG[ATGTT>A]TGTCAGAGCAGGCAGGCTACGTTTATCCAAATGGGTGAAAAATTCATACTCATCTTTCTT-3'